The following is an entry in ClinVar:

ClinVar aggregate classification (germline): Uncertain significance (1 of 4 stars; one submission).

Conditions:
CHARGE syndrome (CHARGE). Also called: Hittner Hirsch Kreh syndrome; CHARGE ASSOCIATION--COLOBOMA, HEART ANOMALY, CHOANAL ATRESIA, RETARDATION, GENITAL AND EAR ANOMALIES; Coloboma, heart anomaly, choanal atresia, retardation, genital and ear anomalies; CHARGE association; Hall-Hittner syndrome. Identifiers: Orphanet 138, MedGen C0265354, MONDO:0008965.

Submission:

Labcorp Genetics (formerly Invitae), Labcorp
Classification: Uncertain significance for CHARGE syndrome. Last evaluated: 2024-08-18. Review status: criteria provided, single submitter. Criteria: Invitae Variant Classification Sherloc (09022015). Collection method: clinical testing. Allele origin: germline.
Comment: This sequence change replaces alanine, which is neutral and non-polar, with valine, which is neutral and non-polar, at codon 2823 of the CHD7 protein (p.Ala2823Val). This variant is not present in population databases (gnomAD no frequency). This variant has not been reported in the literature in individuals affected with CHD7-related conditions. Invitae Evidence Modeling of protein sequence and biophysical properties (such as structural, functional, and spatial information, amino acid conservation, physicochemical variation, residue mobility, and thermodynamic stability) indicates that this missense variant is not expected to disrupt CHD7 protein function with a negative predictive value of 95%. In summary, the available evidence is currently insufficient to determine the role of this variant in disease. Therefore, it has been classified as a Variant of Uncertain Significance.

NM_017780.4(CHD7):c.8468C>T (p.Ala2823Val)

Gene: CHD7 (chromodomain helicase DNA binding protein 7; plus strand). Cytogenetic location: 8q12.2.
Variant type: single nucleotide variant.
Coding change: c.8468C>T on transcript NM_017780.4 (MANE Select); coding-DNA position 8468, C replaced by T.
Protein change: p.Ala2823Val; replaces alanine 2823 with valine.
Molecular consequence: missense variant.
Genome position (GRCh38, 1-based): chr8:60,865,407, C>T. VCF-style: chr8-60865407-C-T. GRCh37 (hg19) VCF-style: chr8-61777966-C-T.
Other names: c.2321C>T, p.Ala774Val (NM_001316690.1); short protein forms A2823V, A774V.
Identifiers: ClinVar variation 3637098 (VCV003637098.2).